The following is an entry in ClinVar:

ClinVar aggregate classification (germline): Uncertain significance (1 of 4 stars; one submission).

Submission:

Labcorp Genetics (formerly Invitae), Labcorp
Classification: Uncertain significance. Last evaluated: 2023-10-13. Review status: criteria provided, single submitter. Criteria: Invitae Variant Classification Sherloc (09022015). Collection method: clinical testing. Allele origin: germline.
Comment: This sequence change replaces serine, which is neutral and polar, with leucine, which is neutral and non-polar, at codon 243 of the CLCN6 protein (p.Ser243Leu). This variant is not present in population databases (gnomAD no frequency). This variant has not been reported in the literature in individuals affected with CLCN6-related conditions. ClinVar contains an entry for this variant (Variation ID: 2126086). An algorithm developed to predict the effect of missense changes on protein structure and function (PolyPhen-2) suggests that this variant is likely to be disruptive. In summary, the available evidence is currently insufficient to determine the role of this variant in disease. Therefore, it has been classified as a Variant of Uncertain Significance.

NM_001286.5(CLCN6):c.728C>T (p.Ser243Leu)

Gene: CLCN6 (chloride voltage-gated channel 6; plus strand). Cytogenetic location: 1p36.22.
Variant type: single nucleotide variant.
Coding change: c.728C>T on transcript NM_001286.5 (MANE Select); coding-DNA position 728, C replaced by T.
Protein change: p.Ser243Leu; replaces serine 243 with leucine.
Molecular consequence: missense variant.
Genome position (GRCh38, 1-based): chr1:11,827,109, C>T. VCF-style: chr1-11827109-C-T. GRCh37 (hg19) VCF-style: chr1-11887166-C-T.
Other names: c.662C>T, p.Ser221Leu (NM_001256959.2); short protein forms S243L, S221L.
Identifiers: ClinVar variation 2126086 (VCV002126086.4), dbSNP rs2523121117, ClinGen allele CA338428699.